The following is an entry in ClinVar:

NM_000051.4(ATM):c.4866A>C (p.Glu1622Asp)

Gene: ATM (ATM serine/threonine kinase; plus strand). Cytogenetic location: 11q22.3.
Variant type: single nucleotide variant.
Coding change: c.4866A>C on transcript NM_000051.4 (MANE Select); coding-DNA position 4866, A replaced by C.
Protein change: p.Glu1622Asp; replaces glutamic acid 1622 with aspartic acid.
Molecular consequence: missense variant.
Genome position (GRCh38, 1-based): chr11:108,295,016, A>C. VCF-style: chr11-108295016-A-C. GRCh37 (hg19) VCF-style: chr11-108165743-A-C.
Other names: c.4866A>C, p.Glu1622Asp (NM_001351834.2); short protein forms E1622D.
Identifiers: ClinVar variation 3894166 (VCV003894166.1).

ClinVar aggregate classification (germline): Uncertain significance (1 of 4 stars; one submission).

Conditions:
Hereditary cancer-predisposing syndrome. Also called: Neoplastic Syndromes, Hereditary; Tumor predisposition; Hereditary Cancer Syndrome; Hereditary neoplastic syndrome. Identifiers: Orphanet 140162, MedGen C0027672, MeSH D009386, MONDO:0015356.

Submission:

Color Diagnostics, LLC DBA Color Health
Classification: Uncertain significance for Hereditary cancer-predisposing syndrome. Last evaluated: 2024-11-13. Review status: criteria provided, single submitter. Criteria: ACMG Guidelines, 2015. Collection method: clinical testing. Allele origin: germline.
Comment: This missense variant replaces glutamic acid with aspartic acid at codon 1622 of the ATM protein. Computational prediction suggests that this variant may not impact protein structure and function (internally defined REVEL score threshold <= 0.5, PMID: 27666373). To our knowledge, functional studies have not been reported for this variant. This variant has not been reported in individuals affected with ATM-related disorders in the literature. This variant has not been identified in the general population by the Genome Aggregation Database (gnomAD). The available evidence is insufficient to determine the role of this variant in disease conclusively. Therefore, this variant is classified as a Variant of Uncertain Significance.